The following is an entry in ClinVar:

NM_002055.5(GFAP):c.977A>C (p.Glu326Ala)

Gene: GFAP (glial fibrillary acidic protein; minus strand). Cytogenetic location: 17q21.31.
Variant type: single nucleotide variant.
Coding change: c.977A>C on transcript NM_002055.5 (MANE Select); coding-DNA position 977, A replaced by C.
Protein change: p.Glu326Ala; replaces glutamic acid 326 with alanine.
Molecular consequence: missense variant.
Genome position (GRCh38, 1-based): chr17:44,911,386, T>G on the plus strand (A>C on the coding strand, the complement: GFAP is on the minus strand). VCF-style: chr17-44911386-T-G. GRCh37 (hg19) VCF-style: chr17-42988754-T-G.
Other names: c.977A>C, p.Glu326Ala (NM_001131019.3, NM_001242376.3, NM_001363846.2); short protein forms E326A.
Identifiers: ClinVar variation 1951085 (VCV001951085.5), dbSNP rs1182651820, ClinGen allele CA399844216.
Genomic context (GRCh38, chr17:44,911,386, plus strand): 5'-AAGTGGCGGGCCATCTCGTCCTTGAGGCTCTGCCCCTCTTCCTCCAGCCGCGCCAGCGCC[T>G]CCTGATAACTGGCCGCCTCCCGCACGTGCCGCTCCTCCTGCTCGCGCATCTGCCTCTCCA-3'
Protein context (NP_002046.1, residues 316-336): RHVREAASYQ[Glu326Ala]ALARLEEEGQ

ClinVar aggregate classification (germline): Uncertain significance (1 of 4 stars; one submission).

Allele frequency attached by ClinVar (database versions not stated): TOPMed below 0.00001.

Submission:

Labcorp Genetics (formerly Invitae), Labcorp
Classification: Uncertain significance. Last evaluated: 2022-05-17. Review status: criteria provided, single submitter. Criteria: Invitae Variant Classification Sherloc (09022015). Collection method: clinical testing. Allele origin: germline.
Comment: This sequence change replaces glutamic acid, which is acidic and polar, with alanine, which is neutral and non-polar, at codon 326 of the GFAP protein (p.Glu326Ala). This variant is not present in population databases (gnomAD no frequency). This variant has not been reported in the literature in individuals affected with GFAP-related conditions. Algorithms developed to predict the effect of missense changes on protein structure and function are either unavailable or do not agree on the potential impact of this missense change (SIFT: "Deleterious"; PolyPhen-2: "Possibly Damaging"; Align-GVGD: "Class C0"). In summary, the available evidence is currently insufficient to determine the role of this variant in disease. Therefore, it has been classified as a Variant of Uncertain Significance.